The following is an entry in ClinVar:

ClinVar aggregate classification (germline): Benign/Likely benign. Review status: criteria provided, multiple submitters, no conflicts (2 of 4 stars). 3 submissions from 3 submitters: Benign (1); Likely benign (2). Last evaluated 2024-05-30.

Conditions:
Familial adenomatous polyposis 1 (FAP1). Also called: POLYPOSIS, ADENOMATOUS INTESTINAL; FAMILIAL ADENOMATOUS POLYPOSIS 1, ATTENUATED. Identifiers: MedGen C2713442, MONDO:0021056, OMIM 175100. Disease mechanism: loss of function.
Hereditary cancer-predisposing syndrome. Also called: Neoplastic Syndromes, Hereditary; Tumor predisposition; Hereditary neoplastic syndrome; Hereditary Cancer Syndrome. Identifiers: Orphanet 140162, MedGen C0027672, MeSH D009386, MONDO:0015356.

Allele frequency attached by ClinVar (database versions not stated): gnomAD exomes below 0.00001.
gnomAD v4.1: 2 of 1,614,080 alleles (0.00012%); highest among the groups gnomAD compares: Non-Finnish European, 0.00017%; no homozygotes.

Submissions (3):

Labcorp Genetics (formerly Invitae), Labcorp
Classification: Likely benign for Familial adenomatous polyposis 1. Last evaluated: 2024-05-30. Review status: criteria provided, single submitter. Criteria: Invitae Variant Classification Sherloc (09022015). Collection method: clinical testing. Allele origin: germline.

Myriad Genetics, Inc.
Classification: Benign for Familial adenomatous polyposis 1. Last evaluated: 2024-03-18. Review status: criteria provided, single submitter. Criteria: Myriad Autosomal Dominant, Autosomal Recessive and X-Linked Classification Criteria (2023). Collection method: clinical testing. Allele origin: unknown.
Comment: This variant is considered benign. This variant is a silent/synonymous amino acid change and it is not expected to impact splicing.

Color Diagnostics, LLC DBA Color Health
Classification: Likely benign for Hereditary cancer-predisposing syndrome. Last evaluated: 2021-10-19. Review status: criteria provided, single submitter. Criteria: ACMG Guidelines, 2015. Collection method: clinical testing. Allele origin: germline.

NM_000038.6(APC):c.3417G>A (p.Lys1139=)

Gene: APC (APC regulator of Wnt signaling pathway; plus strand). Cytogenetic location: 5q22.2.
Variant type: single nucleotide variant.
Coding change: c.3417G>A on transcript NM_000038.6 (MANE Select); coding-DNA position 3417, G replaced by A.
Protein change: p.Lys1139=; no amino-acid change (lysine 1139 retained).
Molecular consequence: synonymous variant. On other transcripts: non-coding transcript variant (2).
Genome position (GRCh38, 1-based): chr5:112,839,011, G>A. VCF-style: chr5-112839011-G-A. GRCh37 (hg19) VCF-style: chr5-112174708-G-A.
Other names: c.3417G>A, p.Lys1139= (NM_001127510.3, NM_001354895.2, NM_001407450.1); c.3363G>A, p.Lys1121= (NM_001127511.3); c.3471G>A, p.Lys1157= (NM_001354896.2, NM_001407447.1, NM_001407448.1 and 1 more transcripts); c.3447G>A, p.Lys1149= (NM_001354897.2); c.3342G>A, p.Lys1114= (NM_001354898.2); c.3333G>A, p.Lys1111= (NM_001354899.2); c.3294G>A, p.Lys1098= (NM_001354900.2); c.3240G>A, p.Lys1080= (NM_001354901.2, NM_001407453.1); and 11 more.
Identifiers: ClinVar variation 3148113 (VCV003148113.4), dbSNP rs2149891493, ClinGen allele CA445963827.